The following is an entry in ClinVar:

ClinVar aggregate classification (germline): Uncertain significance. Review status: criteria provided, multiple submitters, no conflicts (2 of 4 stars). 3 submissions from 3 submitters: Uncertain significance (3). Last evaluated 2025-12-30.

Conditions:
Myopathy, proximal, and ophthalmoplegia (CMYO6). Also called: CONGENITAL MYOPATHY 6 WITH OPHTHALMOPLEGIA; INCLUSION BODY MYOPATHY 3, AUTOSOMAL DOMINANT; MYOPATHY WITH CONGENITAL JOINT CONTRACTURES, OPHTHALMOPLEGIA, AND RIMMED VACUOLES. Identifiers: Orphanet 363677, Orphanet 79091, MedGen C1854106, MONDO:0011577, OMIM 605637.

Allele frequency attached by ClinVar (database versions not stated): ExAC 0.00002; gnomAD exomes 0.00002; TOPMed 0.00003; gnomAD 0.00004 and 0.00005.
gnomAD v4.1: 35 of 1,614,096 alleles (0.0022%); highest among the groups gnomAD compares: African/African-American, 0.0093%; no homozygotes.

Submissions (3):

Labcorp Genetics (formerly Invitae), Labcorp
Classification: Uncertain significance for Myopathy, proximal, and ophthalmoplegia. Last evaluated: 2025-12-30. Review status: criteria provided, single submitter. Criteria: Invitae Variant Classification Sherloc (09022015). Collection method: clinical testing. Allele origin: germline.
Comment: This sequence change replaces arginine, which is basic and polar, with histidine, which is basic and polar, at codon 1142 of the MYH2 protein (p.Arg1142His). This variant is present in population databases (rs781136210, gnomAD 0.01%). This variant has not been reported in the literature in individuals affected with MYH2-related conditions. ClinVar contains an entry for this variant (Variation ID: 582536). Invitae Evidence Modeling of protein sequence and biophysical properties (such as structural, functional, and spatial information, amino acid conservation, physicochemical variation, residue mobility, and thermodynamic stability) indicates that this missense variant is expected to disrupt MYH2 protein function with a positive predictive value of 80%. In summary, the available evidence is currently insufficient to determine the role of this variant in disease. Therefore, it has been classified as a Variant of Uncertain Significance.

GeneDx
Classification: Uncertain significance. Last evaluated: 2022-09-02. Review status: criteria provided, single submitter. Criteria: GeneDx Variant Classification Process June 2021. Collection method: clinical testing. Allele origin: germline. Affected: yes.
Comment: Not observed at significant frequency in large population cohorts (gnomAD); In silico analysis supports that this missense variant has a deleterious effect on protein structure/function; Has not been previously published as pathogenic or benign to our knowledge

Revvity Omics, Revvity
Classification: Uncertain significance for Myopathy, proximal, and ophthalmoplegia. Last evaluated: 2019-06-14. Review status: criteria provided, single submitter. Criteria: ACMG Guidelines, 2015. Collection method: clinical testing. Allele origin: germline.

NM_017534.6(MYH2):c.3425G>A (p.Arg1142His)

Genes: MYHAS (myosin heavy chain gene cluster antisense RNA; plus strand), MYH2 (myosin heavy chain 2; minus strand). Cytogenetic location: 17p13.1.
Variant type: single nucleotide variant.
Coding change: c.3425G>A on transcript NM_017534.6 (MANE Select); coding-DNA position 3425, G replaced by A.
Protein change: p.Arg1142His; replaces arginine 1142 with histidine.
Molecular consequence: missense variant.
Genome position (GRCh38, 1-based): chr17:10,529,009, C>T on the plus strand (G>A on the coding strand, the complement: MYH2 is on the minus strand). VCF-style: chr17-10529009-C-T. GRCh37 (hg19) VCF-style: chr17-10432326-C-T.
Other names: c.3425G>A, p.Arg1142His (NM_001100112.2); short protein forms R1142H.
Identifiers: ClinVar variation 582536 (VCV000582536.9), dbSNP rs781136210, ClinGen allele CA8390899.